The following is an entry in ClinVar:

ClinVar aggregate classification (germline): Likely benign. Review status: criteria provided, multiple submitters, no conflicts (2 of 4 stars). 3 submissions from 3 submitters: Likely benign (3). Last evaluated 2024-10-25.

Conditions:
Familial thoracic aortic aneurysm and aortic dissection (TAAD). Also called: Thoracic aortic aneurysms and dissections. Identifiers: Orphanet 91387, MedGen C4707243, MONDO:0019625.

Allele frequency attached by ClinVar (database versions not stated): gnomAD 0.00002.
gnomAD v4.1: 3 of 1,613,930 alleles (0.00019%); highest among the groups gnomAD compares: African/African-American, 0.004%; no homozygotes.

Submissions (3):

Ambry Genetics
Classification: Likely benign for Familial thoracic aortic aneurysm and aortic dissection. Last evaluated: 2024-10-25. Review status: criteria provided, single submitter. Criteria: Ambry Variant Classification Scheme 2023. Collection method: clinical testing. Allele origin: germline.

Color Diagnostics, LLC DBA Color Health
Classification: Likely benign for Familial thoracic aortic aneurysm and aortic dissection. Last evaluated: 2024-09-12. Review status: criteria provided, single submitter. Criteria: ACMG Guidelines, 2015. Collection method: clinical testing. Allele origin: germline.

All of Us Research Program, National Institutes of Health
Classification: Likely benign for Familial thoracic aortic aneurysm and aortic dissection. Last evaluated: 2023-06-26. Review status: criteria provided, single submitter. Criteria: ACMG Guidelines, 2015. Collection method: clinical testing. Allele origin: germline. Inheritance: Autosomal dominant inheritance. Observed: 1 variant allele, 1 heterozygote.
Comment: This study involves interpretation of variants in research participants for the purpose of population health screening. Participant phenotype was not available at the time of variant classification. Additional details can be found in publication PMID: 35346344, PMCID: PMC8962531

NM_002474.3(MYH11):c.4191C>A (p.Phe1397Leu)

Genes: MYH11 (myosin heavy chain 11; minus strand), NDE1 (nudE neurodevelopment protein 1; plus strand). Cytogenetic location: 16p13.11.
Variant type: single nucleotide variant.
Coding change: c.4191C>A on transcript NM_002474.3 (MANE Select); coding-DNA position 4191, C replaced by A.
Protein change: p.Phe1397Leu; replaces phenylalanine 1397 with leucine.
Molecular consequence: missense variant. On other transcripts: 3 prime UTR variant (2).
Genome position (GRCh38, 1-based): chr16:15,724,335, G>T on the plus strand (C>A on the coding strand, the complement: MYH11 is on the minus strand). VCF-style: chr16-15724335-G-T. GRCh37 (hg19) VCF-style: chr16-15818192-G-T.
Other names: c.4212C>A, p.Phe1404Leu (NM_001040113.2, NM_001040114.2); c.4191C>A, p.Phe1397Leu (NM_022844.3); c.*84G>T (NM_001143979.2, NM_017668.3); c.4191C>A (NM_002474.2); short protein forms F1397L, F1404L.
Identifiers: ClinVar variation 1332137 (VCV001332137.5), dbSNP rs1433018488, ClinGen allele CA394857392.